The following is an entry in ClinVar:

ClinVar aggregate classification (germline): Uncertain significance. Review status: criteria provided, multiple submitters, no conflicts (2 of 4 stars). 2 submissions from 2 submitters: Uncertain significance (2). Last evaluated 2021-11-17.

Conditions:
Inborn genetic diseases. Identifiers: MedGen C0950123, MeSH D030342.

Allele frequency attached by ClinVar (database versions not stated): gnomAD 0.00001 and 0.00003; TOPMed 0.00003.

Submissions (2):

Labcorp Genetics (formerly Invitae), Labcorp
Classification: Uncertain significance. Last evaluated: 2021-11-17. Review status: criteria provided, single submitter. Criteria: Invitae Variant Classification Sherloc (09022015). Collection method: clinical testing. Allele origin: germline.
Comment: In summary, the available evidence is currently insufficient to determine the role of this variant in disease. Therefore, it has been classified as a Variant of Uncertain Significance. Algorithms developed to predict the effect of missense changes on protein structure and function are either unavailable or do not agree on the potential impact of this missense change (SIFT: "Deleterious"; PolyPhen-2: "Benign"; Align-GVGD: "Class C0"). This variant has not been reported in the literature in individuals affected with RTTN-related conditions. This variant is present in population databases (rs746926127, gnomAD 0.03%). This sequence change replaces asparagine, which is neutral and polar, with isoleucine, which is neutral and non-polar, at codon 1897 of the RTTN protein (p.Asn1897Ile).

Ambry Genetics
Classification: Uncertain significance for Inborn genetic diseases. Last evaluated: 2021-08-23. Review status: criteria provided, single submitter. Criteria: Ambry Variant Classification Scheme 2023. Collection method: clinical testing. Allele origin: germline.

NM_173630.4(RTTN):c.5690A>T (p.Asn1897Ile)

Gene: RTTN (rotatin; minus strand). Cytogenetic location: 18q22.2.
Variant type: single nucleotide variant.
Coding change: c.5690A>T on transcript NM_173630.4 (MANE Select); coding-DNA position 5690, A replaced by T.
Protein change: p.Asn1897Ile; replaces asparagine 1897 with isoleucine.
Molecular consequence: missense variant.
Genome position (GRCh38, 1-based): chr18:70,030,067, T>A on the plus strand (A>T on the coding strand, the complement: RTTN is on the minus strand). VCF-style: chr18-70030067-T-A. GRCh37 (hg19) VCF-style: chr18-67697303-T-A.
Other names: c.2954A>T, p.Asn985Ile (NM_001318520.2); c.5690A>T (NM_173630.3); short protein forms N1897I, N985I.
Identifiers: ClinVar variation 1521351 (VCV001521351.6), dbSNP rs746926127, ClinGen allele CA8994875.